The following is an entry in ClinVar:

ClinVar aggregate classification (germline): Uncertain significance (1 of 4 stars; one submission).

Conditions:
Hypertrophic cardiomyopathy. Also called: HYPERTROPHIC MYOCARDIOPATHY. Identifiers: Orphanet 217569, MedGen C0007194, MeSH D002312, MONDO:0005045, HP:0001639.

Allele frequency attached by ClinVar (database versions not stated): TOPMed below 0.00001; gnomAD exomes 0.00002 and 0.00004; ExAC 0.00003.

Submission:

Labcorp Genetics (formerly Invitae), Labcorp
Classification: Uncertain significance for Hypertrophic cardiomyopathy. Last evaluated: 2023-12-06. Review status: criteria provided, single submitter. Criteria: Invitae Variant Classification Sherloc (09022015). Collection method: clinical testing. Allele origin: germline.
Comment: This sequence change creates a premature translational stop signal (p.Gln183Argfs*62) in the MYOM1 gene. It is expected to result in an absent or disrupted protein product. However, the current clinical and genetic evidence is not sufficient to establish whether loss-of-function variants in MYOM1 cause disease. This variant is present in population databases (rs762972115, gnomAD 0.005%). This variant has not been reported in the literature in individuals affected with MYOM1-related conditions. ClinVar contains an entry for this variant (Variation ID: 660718). In summary, the available evidence is currently insufficient to determine the role of this variant in disease. Therefore, it has been classified as a Variant of Uncertain Significance.

NM_003803.4(MYOM1):c.548del (p.Gln183fs)

Gene: MYOM1 (myomesin 1; minus strand). Cytogenetic location: 18p11.31.
Variant type: Deletion.
Coding change: c.548del on transcript NM_003803.4 (MANE Select); coding-DNA position 548, one base deleted (A; older notation c.548delA).
Protein change: p.Gln183fs; shifts the reading frame from glutamine 183.
Molecular consequence: frameshift variant.
Genome position (GRCh38, 1-based): chr18:3,188,971, T deleted on the plus strand (A on the coding strand, the reverse complement: MYOM1 is on the minus strand). VCF-style (leftmost placement, unchanged base first): chr18-3188970-CT-C. GRCh37 (hg19) VCF-style: chr18-3188968-CT-C.
Other names: c.548delA (NM_003803.3); c.548del, p.Gln183fs (NM_019856.2); short protein forms Q183fs.
Identifiers: ClinVar variation 660718 (VCV000660718.8), dbSNP rs762972115, ClinGen allele CA8875219.
Genomic context (GRCh38, chr18:3,188,970, plus strand): 5'-TGTGGACTGCTTGGATGCCGTGGACTGCTTAGATGCCGTGGTCTGCTTGGATGCCGTGGA[CT>C]GTTTAGATGTTGTGATTCCTTCCTCACTAGCAAGAAGATTCCTCTGGGCTATATAAGCAG-3'